The following is an entry in ClinVar:

ClinVar aggregate classification (germline): Likely benign (1 of 4 stars; one submission).

Submission:

GeneDx
Classification: Likely benign. Last evaluated: 2014-03-05. Review status: criteria provided, single submitter. Criteria: GeneDx Variant Classification (06012015). Collection method: clinical testing. Allele origin: germline. Affected: yes.
Comment: This variant is considered likely benign or benign based on one or more of the following criteria: it is a conservative change, it occurs at a poorly conserved position in the protein, it is predicted to be benign by multiple in silico algorithms, and/or has population frequency not consistent with disease.

NM_000391.4(TPP1):c.1393A>G (p.Arg465Gly)

Gene: TPP1 (tripeptidyl peptidase 1; minus strand). Cytogenetic location: 11p15.4.
Variant type: single nucleotide variant.
Coding change: c.1393A>G on transcript NM_000391.4 (MANE Select); coding-DNA position 1393, A replaced by G.
Protein change: p.Arg465Gly; replaces arginine 465 with glycine.
Molecular consequence: missense variant.
Genome position (GRCh38, 1-based): chr11:6,615,203, T>C on the plus strand (A>G on the coding strand, the complement: TPP1 is on the minus strand). VCF-style: chr11-6615203-T-C. GRCh37 (hg19) VCF-style: chr11-6636434-T-C.
Other names: p.R465G:AGA>GGA; short protein forms R465G.
Identifiers: ClinVar variation 207556 (VCV000207556.1), dbSNP rs796053433, ClinGen allele CA319141.